The following is an entry in ClinVar:

NM_025114.4(CEP290):c.7288_7289dup (p.Asn2430fs)

Genes: CEP290 (centrosomal protein 290; minus strand), RLIG1 (RNA 5'-phosphate and 3'-OH ligase 1; plus strand). Cytogenetic location: 12q21.32.
Variant type: Duplication.
Coding change: c.7288_7289dup on transcript NM_025114.4 (MANE Select); coding-DNA positions 7288 to 7289, 2 bases duplicated (AA; older notation c.7288_7289dupAA).
Protein change: p.Asn2430fs; shifts the reading frame from asparagine 2430.
Molecular consequence: frameshift variant. On other transcripts: 3 prime UTR variant (1).
Genome position (GRCh38, 1-based): chr12:88,049,335-88,049,336, TT duplicated on the plus strand (AA on the coding strand, the reverse complement: CEP290 is on the minus strand). VCF-style (leftmost placement, unchanged base first): chr12-88049334-A-ATT. GRCh37 (hg19) VCF-style: chr12-88443111-A-ATT.
Other names: c.*913_*914dup (NM_001009894.3); c.7288_7289dup (NM_025114.3); short protein forms N2430fs.
Identifiers: ClinVar variation 1452299 (VCV001452299.10), dbSNP rs1482471100, ClinGen allele CA693034540.

ClinVar aggregate classification (germline): Pathogenic/Likely pathogenic. Review status: criteria provided, multiple submitters, no conflicts (2 of 4 stars). 3 submissions from 3 submitters: Pathogenic (1); Likely pathogenic (2). Last evaluated 2025-08-14.

Conditions:
Nephronophthisis. Also called: Juvenile Nephronophthisis. Identifiers: Orphanet 655, MedGen C0687120, MONDO:0019005, HP:0000090.
Meckel-Gruber syndrome. Also called: DYSENCEPHALIA SPLANCHNOCYSTICA; GRUBER SYNDROME; Dysencephalia splachnocystica. Identifiers: Orphanet 564, MedGen C0265215, MONDO:0018921.
Joubert syndrome. Also called: CEREBELLOPARENCHYMAL DISORDER IV; JOUBERT-BOLTSHAUSER SYNDROME; Familial aplasia of the vermis. Identifiers: Orphanet 475, MedGen C5979921, MONDO:0018772.
Leber congenital amaurosis (LCA). Also called: Leber's amaurosis. Identifiers: Orphanet 65, MedGen C0339527, MeSH D057130, MONDO:0018998.
Bardet-Biedl syndrome 14 (BBS14). Identifiers: Orphanet 110, MedGen C2673874, MONDO:0014442, OMIM 615991.

Submissions (3):

Natera, Inc.
Classification: Likely pathogenic for Leber congenital amaurosis. Last evaluated: 2025-08-14. Review status: criteria provided, single submitter. Criteria: Natera Variant Classification Schema (03/2026). Collection method: clinical testing. Allele origin: germline.
Comment: The c.7288_7289dup variant in CEP290 is a frameshift variant predicted to shift the reading frame beginning at codon 2430 and leads to a stop codon 7 codons downstream. This variant is expected to result in nonsense mediated decay, truncation, or a dysfunctional protein product. This variant is rare in the general population with a frequency below the threshold expected for the associated phenotype(s). Given the available evidence, this variant is classified as Likely Pathogenic.

Baylor Genetics
Classification: Likely pathogenic for Bardet-Biedl syndrome 14. Last evaluated: 2023-08-09. Review status: criteria provided, single submitter. Criteria: ACMG Guidelines, 2015. Collection method: clinical testing. Allele origin: unknown.

Labcorp Genetics (formerly Invitae), Labcorp
Classification: Pathogenic for Joubert syndrome; Meckel-Gruber syndrome; Nephronophthisis. Last evaluated: 2022-08-29. Review status: criteria provided, single submitter. Criteria: Invitae Variant Classification Sherloc (09022015). Collection method: clinical testing. Allele origin: germline.
Comment: For these reasons, this variant has been classified as Pathogenic. ClinVar contains an entry for this variant (Variation ID: 1452299). This variant disrupts a region of the CEP290 protein in which other variant(s) (p.Leu2448Thrfs*8) have been determined to be pathogenic (PMID: 16682973, 16909394, 29588463). This suggests that this is a clinically significant region of the protein, and that variants that disrupt it are likely to be disease-causing. This sequence change creates a premature translational stop signal (p.Asn2430Lysfs*7) in the CEP290 gene. While this is not anticipated to result in nonsense mediated decay, it is expected to disrupt the last 50 amino acid(s) of the CEP290 protein. This variant has not been reported in the literature in individuals affected with CEP290-related conditions. This variant is not present in population databases (gnomAD no frequency).

Literature cited by the submitters: PubMed 16682973 (cited by Labcorp Genetics (formerly Invitae), Labcorp); PubMed 16909394 (cited by Labcorp Genetics (formerly Invitae), Labcorp); PubMed 29588463 (cited by Labcorp Genetics (formerly Invitae), Labcorp).